The following is an entry in ClinVar:

ClinVar aggregate classification (germline): Likely pathogenic (1 of 4 stars; one submission).

Conditions:
Cystinosis. Also called: Cystine diathesis; Cystine storage disease; Cystinoses. Identifiers: Orphanet 213, MedGen C4316899, MONDO:0016239.

Submission:

Natera, Inc.
Classification: Likely pathogenic for Cystinosis. Last evaluated: 2025-11-12. Review status: criteria provided, single submitter. Criteria: Natera Variant Classification Schema (03/2026). Collection method: clinical testing. Allele origin: germline.
Comment: The c.226-3C>G variant in CTNS is an intronic variant located outside the canonical splice sites. This variant is rare in the general population with a frequency below the threshold expected for the associated phenotype(s). This variant has been observed in one or more individuals affected with the associated recessive disease, as either homozygous or compound heterozygous with a second variant (PMID: 28629674). This variant has been identified in one or more affected individual with a phenotype highly consistent with the associated gene (PMID: 28629674). Functional studies show that this variant may disrupt protein function (PMID: 28629674). Computational prediction algorithms indicate this variant is likely to affect gene or protein function. Given the available evidence, this variant is classified as Likely Pathogenic.

Literature cited by the submitters: PubMed 28629674.

NM_004937.3(CTNS):c.226-3C>G

Genes: CTNS-AS1 (CTNS antisense RNA 1; minus strand), CTNS (cystinosin, lysosomal cystine transporter; plus strand). Cytogenetic location: 17p13.2.
Variant type: single nucleotide variant.
Coding change: c.226-3C>G on transcript NM_004937.3 (MANE Select); 3 bases into the intron before coding-DNA position 226, C replaced by G.
Molecular consequence: intron variant.
Genome position (GRCh38, 1-based): chr17:3,654,995, C>G. VCF-style: chr17-3654995-C-G. GRCh37 (hg19) VCF-style: chr17-3558289-C-G.
Other names: c.226-3C>G (NM_001031681.3, NM_001374492.1); c.-216-3C>G (NM_001374493.1, NM_001374495.1, NM_001374494.1 and 1 more transcripts).
Identifiers: ClinVar variation 4815393 (VCV004815393.1).